The following is an entry in ClinVar:

NM_006206.6(PDGFRA):c.2003-1G>A

Gene: PDGFRA (platelet derived growth factor receptor alpha; plus strand). Cytogenetic location: 4q12.
Variant type: single nucleotide variant.
Coding change: c.2003-1G>A on transcript NM_006206.6 (MANE Select); the canonical splice acceptor site of the intron before coding-DNA position 2003, G replaced by A.
Molecular consequence: splice acceptor variant.
Genome position (GRCh38, 1-based): chr4:54,278,361, G>A. VCF-style: chr4-54278361-G-A. GRCh37 (hg19) VCF-style: chr4-55144528-G-A.
Other names: c.2078-1G>A (NM_001347828.2); c.2003-1G>A (NM_001347827.2, NM_001347829.2); c.2042-1G>A (NM_001347830.2).
Identifiers: ClinVar variation 2132505 (VCV002132505.4), dbSNP rs2110314658, ClinGen allele CA356893815.

ClinVar aggregate classification (germline): Uncertain significance (1 of 4 stars; one submission).

Conditions:
Gastrointestinal stromal tumor. Also called: Gastrointestinal stroma tumor; Gastrointestinal stromal tumor, somatic. Identifiers: Orphanet 44890, MedGen C0238198, MeSH D046152, MONDO:0011719, OMIM 606764, HP:0100723.

Submission:

Labcorp Genetics (formerly Invitae), Labcorp
Classification: Uncertain significance for Gastrointestinal stromal tumor. Last evaluated: 2024-07-15. Review status: criteria provided, single submitter. Criteria: Invitae Variant Classification Sherloc (09022015). Collection method: clinical testing. Allele origin: germline.
Comment: This sequence change affects an acceptor splice site in intron 14 of the PDGFRA gene. It is expected to disrupt RNA splicing. Variants that disrupt the donor or acceptor splice site typically lead to a loss of protein function (PMID: 16199547), however the current clinical and genetic evidence is not sufficient to establish whether loss-of-function variants in PDGFRA cause disease. This variant is not present in population databases (gnomAD no frequency). This variant has not been reported in the literature in individuals affected with PDGFRA-related conditions. ClinVar contains an entry for this variant (Variation ID: 2132505). Algorithms developed to predict the effect of sequence changes on RNA splicing suggest that this variant may disrupt the consensus splice site. In summary, the available evidence is currently insufficient to determine the role of this variant in disease. Therefore, it has been classified as a Variant of Uncertain Significance.

Literature cited by the submitters: PubMed 16199547.